The following is an entry in ClinVar:

ClinVar aggregate classification (germline): Conflicting classifications of pathogenicity. Review status: criteria provided, conflicting classifications (1 of 4 stars). 3 submissions from 3 submitters: Uncertain significance (1); Likely benign (1). 1 of the submissions does not count toward it. Last evaluated 2026-01-28.

Conditions:
NEB-related disorder. Also called: NEB-related condition; NEB-Related Disorders.
Nemaline myopathy 2 (NEM2). Also called: Nemaline myopathy 2, autosomal recessive. Identifiers: MedGen C1850569, MONDO:0009725, OMIM 256030.

Allele frequency attached by ClinVar (database versions not stated): gnomAD exomes 0.00018 and 0.00042; gnomAD 0.00025 and 0.00028; TOPMed 0.00027; ExAC 0.00032; ESP Exome Variant Server 0.00033.
gnomAD v4.1: 629 of 1,586,502 alleles (0.04%); highest among the groups gnomAD compares: Non-Finnish European, 0.051%; no homozygotes.

Submissions (3):

Labcorp Genetics (formerly Invitae), Labcorp
Classification: Likely benign for Nemaline myopathy 2. Last evaluated: 2026-01-28. Review status: criteria provided, single submitter. Criteria: Invitae Variant Classification Sherloc (09022015). Collection method: clinical testing. Allele origin: germline.

Illumina Laboratory Services, Illumina
Classification: Uncertain significance for Nemaline myopathy 2. Last evaluated: 2018-01-13. Review status: criteria provided, single submitter. Criteria: ICSL Variant Classification Criteria 13 December 2019. Collection method: clinical testing. Allele origin: germline.

PreventionGenetics, part of Exact Sciences
Classification: Likely benign for NEB-related condition. Last evaluated: 2019-06-05. Review status: no assertion criteria provided. Collection method: clinical testing. Allele origin: germline. Not counted in ClinVar's aggregate classification.
Comment: This variant is classified as likely benign based on ACMG/AMP sequence variant interpretation guidelines (Richards et al. 2015 PMID: 25741868, with internal and published modifications).

NM_001164508.2(NEB):c.20853C>T (p.Ile6951=)

Gene: NEB (nebulin; minus strand). Cytogenetic location: 2q23.3.
Variant type: single nucleotide variant.
Coding change: c.20853C>T on transcript NM_001164508.2 (MANE Select); coding-DNA position 20853, C replaced by T.
Protein change: p.Ile6951=; no amino-acid change (isoleucine 6951 retained).
Molecular consequence: synonymous variant.
Genome position (GRCh38, 1-based): chr2:151,540,383, G>A on the plus strand (C>T on the coding strand, the complement: NEB is on the minus strand). VCF-style: chr2-151540383-G-A. GRCh37 (hg19) VCF-style: chr2-152396897-G-A.
Other names: c.20853C>T, p.Ile6951= (NM_001164507.2, NM_001271208.2); c.15750C>T, p.Ile5250= (NM_004543.5).
Identifiers: ClinVar variation 465543 (VCV000465543.17), dbSNP rs199730497, ClinGen allele CA1907150.